The following is an entry in ClinVar:

ClinVar aggregate classification (germline): Conflicting classifications of pathogenicity. Review status: criteria provided, conflicting classifications (1 of 4 stars). 2 submissions from 2 submitters: Likely pathogenic (1); Uncertain significance (1). Last evaluated 2025-09-29.

Conditions:
Interstitial lung disease due to ABCA3 deficiency. Also called: PULMONARY ALVEOLAR PROTEINOSIS, CONGENITAL, 3. Identifiers: Orphanet 440402, MedGen C1970456, MONDO:0012582, OMIM 610921.

gnomAD v4.1: 41 of 1,613,776 alleles (0.0025%); highest among the groups gnomAD compares: East Asian, 0.0089%; no homozygotes.

Submissions (2):

Myriad Genetics, Inc.
Classification: Uncertain significance for Interstitial lung disease due to ABCA3 deficiency. Last evaluated: 2025-09-29. Review status: criteria provided, single submitter. Criteria: Myriad Autosomal Dominant, Autosomal Recessive and X-Linked Classification Criteria (2023). Collection method: clinical testing. Allele origin: unknown.
Comment: NM_001089.2(ABCA3):c.746C>T(P249L) is a missense variant classified as a variant of uncertain significance in the context of surfactant deficiency, ABCA3-related. P249L has been observed in cases with relevant disease (PMID: 33818848, 32363169). Relevant functional assessments of this variant are not available in the literature. P249L has been observed in referenced population frequency databases. In summary, there is insufficient evidence to classify NM_001089.2(ABCA3):c.746C>T(P249L) as pathogenic or benign. Please note: this variant was assessed in the context of healthy population screening.

Fulgent Genetics
Classification: Likely pathogenic for Interstitial lung disease due to ABCA3 deficiency. Last evaluated: 2024-04-24. Review status: criteria provided, single submitter. Criteria: ACMG Guidelines, 2015. Collection method: clinical testing. Allele origin: germline.

Literature cited by the submitters: PubMed 32363169 (cited by Myriad Genetics, Inc.); PubMed 33818848 (cited by Myriad Genetics, Inc.).

NM_001089.3(ABCA3):c.746C>T (p.Pro249Leu)

Gene: ABCA3 (ATP binding cassette subfamily A member 3; minus strand). Cytogenetic location: 16p13.3.
Variant type: single nucleotide variant.
Coding change: c.746C>T on transcript NM_001089.3 (MANE Select); coding-DNA position 746, C replaced by T.
Protein change: p.Pro249Leu; replaces proline 249 with leucine.
Molecular consequence: missense variant.
Genome position (GRCh38, 1-based): chr16:2,319,708, G>A on the plus strand (C>T on the coding strand, the complement: ABCA3 is on the minus strand). VCF-style: chr16-2319708-G-A. GRCh37 (hg19) VCF-style: chr16-2369709-G-A.
Other names: short protein forms P249L.
Identifiers: ClinVar variation 3580037 (VCV003580037.2).